The following is an entry in ClinVar:

ClinVar aggregate classification (germline): Uncertain significance. Review status: criteria provided, multiple submitters, no conflicts (2 of 4 stars). 2 submissions from 2 submitters: Uncertain significance (2). Last evaluated 2025-11-17.

Conditions:
Mitochondrial complex II deficiency, nuclear type 1. Also called: SUCCINATE CoQ REDUCTASE DEFICIENCY. Identifiers: Orphanet 3208, MedGen C5700310, MONDO:0100294, OMIM 252011.
Pheochromocytoma/paraganglioma syndrome 5. Also called: Paragangliomas 5; SDHA-Related Hereditary Paraganglioma-Pheochromocytoma Syndrome. Identifiers: Orphanet 29072, MedGen C3279992, MONDO:0013602, OMIM 614165.
Hereditary cancer-predisposing syndrome. Also called: Neoplastic Syndromes, Hereditary; Hereditary Cancer Syndrome; Hereditary neoplastic syndrome; Tumor predisposition. Identifiers: Orphanet 140162, MedGen C0027672, MeSH D009386, MONDO:0015356.

Submissions (2):

Ambry Genetics
Classification: Uncertain significance for Hereditary cancer-predisposing syndrome. Last evaluated: 2025-11-17. Review status: criteria provided, single submitter. Criteria: Ambry Variant Classification Scheme 2023. Collection method: clinical testing. Allele origin: germline.
Comment: The p.Y124H variant (also known as c.370T>C), located in coding exon 4 of the SDHA gene, results from a T to C substitution at nucleotide position 370. The tyrosine at codon 124 is replaced by histidine, an amino acid with similar properties. This amino acid position is conserved. In addition, this alteration is predicted to be deleterious by in silico analysis. Based on the available evidence, the clinical significance of this variant remains unclear.

Labcorp Genetics (formerly Invitae), Labcorp
Classification: Uncertain significance for Pheochromocytoma/paraganglioma syndrome 5; Mitochondrial complex II deficiency, nuclear type 1. Last evaluated: 2024-10-28. Review status: criteria provided, single submitter. Criteria: Invitae Variant Classification Sherloc (09022015). Collection method: clinical testing. Allele origin: germline.
Comment: This sequence change replaces tyrosine, which is neutral and polar, with histidine, which is basic and polar, at codon 124 of the SDHA protein (p.Tyr124His). This variant is not present in population databases (gnomAD no frequency). This variant has not been reported in the literature in individuals affected with SDHA-related conditions. ClinVar contains an entry for this variant (Variation ID: 1440830). Invitae Evidence Modeling of protein sequence and biophysical properties (such as structural, functional, and spatial information, amino acid conservation, physicochemical variation, residue mobility, and thermodynamic stability) indicates that this missense variant is not expected to disrupt SDHA protein function with a negative predictive value of 95%. In summary, the available evidence is currently insufficient to determine the role of this variant in disease. Therefore, it has been classified as a Variant of Uncertain Significance.

NM_004168.4(SDHA):c.370T>C (p.Tyr124His)

Gene: SDHA (succinate dehydrogenase complex flavoprotein subunit A; plus strand). Cytogenetic location: 5p15.33.
Variant type: single nucleotide variant.
Coding change: c.370T>C on transcript NM_004168.4 (MANE Select); coding-DNA position 370, T replaced by C.
Protein change: p.Tyr124His; replaces tyrosine 124 with histidine.
Molecular consequence: missense variant. On other transcripts: intron variant (1).
Genome position (GRCh38, 1-based): chr5:225,476, T>C. VCF-style: chr5-225476-T-C. GRCh37 (hg19) VCF-style: chr5-225591-T-C.
Other names: c.370T>C, p.Tyr124His (NM_001330758.2); c.313-407T>C (NM_001294332.2); c.370T>C (NM_004168.2); short protein forms Y124H.
Identifiers: ClinVar variation 1440830 (VCV001440830.9), dbSNP rs2126546996, ClinGen allele CA359009352.
Genomic context (GRCh38, chr5:225,476, plus strand): 5'-CAGGGAGGAATCAATGCTGCTCTGGGGAACATGGAGGAGGACAACTGGAGGTGGCATTTC[T>C]ACGACACCGTGAAGGGCTCCGACTGGCTGGGGGACCAGGATGCCATCCACTACATGACGG-3'
Protein context (NP_004159.2, residues 114-134): MEEDNWRWHF[Tyr124His]DTVKGSDWLG